The following is an entry in ClinVar:

NM_003742.4(ABCB11):c.2198A>C (p.Gln733Pro)

Gene: ABCB11 (ATP binding cassette subfamily B member 11; minus strand). Cytogenetic location: 2q31.1.
Variant type: single nucleotide variant.
Coding change: c.2198A>C on transcript NM_003742.4 (MANE Select); coding-DNA position 2198, A replaced by C.
Protein change: p.Gln733Pro; replaces glutamine 733 with proline.
Molecular consequence: missense variant.
Genome position (GRCh38, 1-based): chr2:168,958,109, T>G on the plus strand (A>C on the coding strand, the complement: ABCB11 is on the minus strand). VCF-style: chr2-168958109-T-G. GRCh37 (hg19) VCF-style: chr2-169814619-T-G.
Other names: short protein forms Q733P.
Identifiers: ClinVar variation 4982630 (VCV004982630.1).
Genomic context (GRCh38, chr2:168,958,109, plus strand): 5'-GGCCATTCTGGAGCACTGAATTTCAGAATCCTCCTAACTGGGGCAGGTTCAACTTCTTCC[T>G]GCACAGGAATGTCCTTGTCCTTGAGCAGAGAGAGGGTTATATTAATCATCTAAATGTACT-3'
Protein context (NP_003733.2, residues 723-743): EDRKDKDIPV[Gln733Pro]EEVEPAPVRR

ClinVar aggregate classification (germline): Uncertain significance (1 of 4 stars; one submission).

Conditions:
ABCB11-related disorder. Also called: ABCB11-related condition.

gnomAD v4.1: 5 of 1,611,010 alleles (0.00031%); highest among the groups gnomAD compares: Non-Finnish European, 0.00042%; no homozygotes.

Submission:

PreventionGenetics, part of Exact Sciences
Classification: Uncertain significance for ABCB11-related condition. Last evaluated: 2025-10-23. Review status: criteria provided, single submitter. Criteria: ACMG Guidelines, 2015. Collection method: clinical testing. Allele origin: germline.
Comment: The ABCB11 c.2198A>C variant is predicted to result in the amino acid substitution p.Gln733Pro. To our knowledge, this variant has not been reported in the literature or in a large population database (gnomAD), indicating this variant is rare. At this time, the clinical significance of this variant is uncertain due to the absence of conclusive functional and genetic evidence.